The following is an entry in ClinVar:

NM_000159.4(GCDH):c.174dup (p.Gln59fs)

Genes: GCDH (glutaryl-CoA dehydrogenase; plus strand), LOC117125594 (CRISPRi-FlowFISH-validated KLF1 regulatory element; plus strand). Cytogenetic location: 19p13.13.
Variant type: Duplication.
Coding change: c.174dup on transcript NM_000159.4 (MANE Select); coding-DNA position 174, one base duplicated (G; older notation c.174dupG).
Protein change: p.Gln59fs; shifts the reading frame from glutamine 59.
Molecular consequence: frameshift variant. On other transcripts: non-coding transcript variant (2).
Genome position (GRCh38, 1-based): chr19:12,891,877, G duplicated. VCF-style (leftmost placement, unchanged base first): chr19-12891876-A-AG. GRCh37 (hg19) VCF-style: chr19-13002690-A-AG.
Other names: c.174dup, p.Gln59fs (NM_013976.5); c.174dupG (NM_000159.3); short protein forms Q59fs.
Identifiers: ClinVar variation 3583485 (VCV003583485.2).

ClinVar aggregate classification (germline): Likely pathogenic. Review status: criteria provided, multiple submitters, no conflicts (2 of 4 stars). 2 submissions from 2 submitters: Likely pathogenic (2). Last evaluated 2024-06-14.

Conditions:
Glutaric aciduria, type 1. Also called: GA I; Glutaric Acidemia Type 1; Glutaryl-CoA dehydrogenase deficiency; Glutaric acidemia type I; Glutaricacidemia Type 1; Glutaricaciduria, type I. Identifiers: Orphanet 25, MedGen C0268595, MONDO:0009281, OMIM 231670.

Submissions (2):

Fulgent Genetics
Classification: Likely pathogenic for Glutaric aciduria, type 1. Last evaluated: 2024-06-14. Review status: criteria provided, single submitter. Criteria: ACMG Guidelines, 2015. Collection method: clinical testing. Allele origin: germline.

Natera, Inc.
Classification: Likely pathogenic for Glutaric acidemia type 1. Last evaluated: 2024-04-12. Review status: criteria provided, single submitter. Criteria: Natera Variant Classification Schema (03/2026). Collection method: clinical testing. Allele origin: germline.
Comment: The c.174dupG variant in GCDH is a frameshift variant predicted to shift the reading frame beginning at codon 59 and leads to a stop codon 6 codons downstream. This variant is expected to result in nonsense mediated decay, truncation, or a dysfunctional protein product. This variant is rare in the general population with a frequency below the threshold expected for the associated phenotype(s). Given the available evidence, this variant is classified as Likely Pathogenic.